The following is an entry in ClinVar:

NM_006441.4(MTHFS):c.359G>A (p.Arg120Gln)

Genes: MTHFS (methenyltetrahydrofolate synthetase; minus strand), ST20-MTHFS (ST20-MTHFS readthrough; minus strand). Cytogenetic location: 15q25.1.
Variant type: single nucleotide variant.
Coding change: c.359G>A on transcript NM_006441.4 (MANE Select); coding-DNA position 359, G replaced by A.
Protein change: p.Arg120Gln; replaces arginine 120 with glutamine.
Molecular consequence: missense variant. On other transcripts: non-coding transcript variant (1).
Genome position (GRCh38, 1-based): chr15:79,889,113, C>T on the plus strand (G>A on the coding strand, the complement: MTHFS is on the minus strand). VCF-style: chr15-79889113-C-T. GRCh37 (hg19) VCF-style: chr15-80181455-C-T.
Other names: c.287G>A, p.Arg96Gln (NM_001199760.2); c.188G>A, p.Arg63Gln (NM_001199758.1); short protein forms R96Q, R120Q, R63Q.
Identifiers: ClinVar variation 2093033 (VCV002093033.3), dbSNP rs142339581, ClinGen allele CA7690309.

ClinVar aggregate classification (germline): Uncertain significance (1 of 4 stars; one submission).

Allele frequency attached by ClinVar (database versions not stated): gnomAD 0.00001; ExAC 0.00002; TOPMed 0.00002; ESP Exome Variant Server 0.00008.
gnomAD v4.1: 11 of 1,614,016 alleles (0.00068%); highest among the groups gnomAD compares: Admixed American, 0.0017%; no homozygotes.

Submission:

Labcorp Genetics (formerly Invitae), Labcorp
Classification: Uncertain significance. Last evaluated: 2024-11-05. Review status: criteria provided, single submitter. Criteria: Invitae Variant Classification Sherloc (09022015). Collection method: clinical testing. Allele origin: germline.
Comment: This sequence change replaces arginine, which is basic and polar, with glutamine, which is neutral and polar, at codon 120 of the MTHFS protein (p.Arg120Gln). This variant is present in population databases (rs142339581, gnomAD 0.02%). This variant has not been reported in the literature in individuals affected with MTHFS-related conditions. ClinVar contains an entry for this variant (Variation ID: 2093033). An algorithm developed to predict the effect of missense changes on protein structure and function (PolyPhen-2) suggests that this variant is likely to be disruptive. In summary, the available evidence is currently insufficient to determine the role of this variant in disease. Therefore, it has been classified as a Variant of Uncertain Significance.